The following is an entry in ClinVar:

NM_004304.5(ALK):c.149A>T (p.Gln50Leu)

Gene: ALK (ALK receptor tyrosine kinase; minus strand). Cytogenetic location: 2p23.1.
Variant type: single nucleotide variant.
Coding change: c.149A>T on transcript NM_004304.5 (MANE Select); coding-DNA position 149, A replaced by T.
Protein change: p.Gln50Leu; replaces glutamine 50 with leucine.
Molecular consequence: missense variant.
Genome position (GRCh38, 1-based): chr2:29,920,511, T>A on the plus strand (A>T on the coding strand, the complement: ALK is on the minus strand). VCF-style: chr2-29920511-T-A. GRCh37 (hg19) VCF-style: chr2-30143377-T-A.
Other names: c.149A>T (NM_004304.4); short protein forms Q50L.
Identifiers: ClinVar variation 1508232 (VCV001508232.9), dbSNP rs1060500222, ClinGen allele CA346590604.

ClinVar aggregate classification (germline): Uncertain significance. Review status: criteria provided, multiple submitters, no conflicts (2 of 4 stars). 2 submissions from 2 submitters: Uncertain significance (2). Last evaluated 2024-01-07.

Conditions:
Hereditary cancer-predisposing syndrome. Also called: Neoplastic Syndromes, Hereditary; Hereditary Cancer Syndrome; Tumor predisposition; Hereditary neoplastic syndrome. Identifiers: Orphanet 140162, MedGen C0027672, MeSH D009386, MONDO:0015356.
Neuroblastoma, susceptibility to, 3. Also called: ALK-Related Neuroblastic Tumor Susceptibility. Identifiers: Orphanet 635, MedGen C2751681, MONDO:0013083, OMIM 613014.

gnomAD v4.1: 2 of 1,612,682 alleles (0.00012%); highest among the groups gnomAD compares: Non-Finnish European, 0.00017%; no homozygotes.

Submissions (2):

Ambry Genetics
Classification: Uncertain significance for Hereditary cancer-predisposing syndrome. Last evaluated: 2024-01-07. Review status: criteria provided, single submitter. Criteria: Ambry Variant Classification Scheme 2023. Collection method: clinical testing. Allele origin: germline.
Comment: The p.Q50L variant (also known as c.149A>T), located in coding exon 1 of the ALK gene, results from an A to T substitution at nucleotide position 149. The glutamine at codon 50 is replaced by leucine, an amino acid with dissimilar properties. This amino acid position is conserved. In addition, the in silico prediction for this alteration is inconclusive. Since supporting evidence is limited at this time, the clinical significance of this alteration remains unclear.

Labcorp Genetics (formerly Invitae), Labcorp
Classification: Uncertain significance for Neuroblastoma, susceptibility to, 3. Last evaluated: 2022-07-05. Review status: criteria provided, single submitter. Criteria: Invitae Variant Classification Sherloc (09022015). Collection method: clinical testing. Allele origin: germline.
Comment: This sequence change replaces glutamine, which is neutral and polar, with leucine, which is neutral and non-polar, at codon 50 of the ALK protein (p.Gln50Leu). This variant is not present in population databases (gnomAD no frequency). This variant has not been reported in the literature in individuals affected with ALK-related conditions. ClinVar contains an entry for this variant (Variation ID: 1508232). Algorithms developed to predict the effect of missense changes on protein structure and function are either unavailable or do not agree on the potential impact of this missense change (SIFT: "Deleterious"; PolyPhen-2: "Probably Damaging"; Align-GVGD: "Class C0"). In summary, the available evidence is currently insufficient to determine the role of this variant in disease. Therefore, it has been classified as a Variant of Uncertain Significance.